The following is an entry in ClinVar:

ClinVar aggregate classification (germline): Likely benign. Review status: criteria provided, multiple submitters, no conflicts (2 of 4 stars). 3 submissions from 3 submitters: Likely benign (3). Last evaluated 2018-05-14.

Conditions:
Perlman syndrome (PRLMNS). Identifiers: Orphanet 2849, MedGen C0796113, MONDO:0009965, OMIM 267000.

Allele frequency attached by ClinVar (database versions not stated): 1000 Genomes Project 0.00439; 1000 Genomes Project 30x 0.00468; TOPMed 0.01196; gnomAD 0.01462 and 0.01498; gnomAD exomes 0.01989.
gnomAD v4.1: 18,837 of 994,326 alleles (1.9%); highest among the groups gnomAD compares: Non-Finnish European, 2.1%; 206 homozygotes.

Submissions (3):

Blueprint Genetics
Classification: Likely benign. Last evaluated: 2018-05-14. Review status: criteria provided, single submitter. Criteria: ACMG Guidelines, 2015. Collection method: clinical testing. Allele origin: germline.

Illumina Laboratory Services, Illumina
Classification: Likely benign for Perlman syndrome. Last evaluated: 2018-01-13. Review status: criteria provided, single submitter. Criteria: ICSL Variant Classification Criteria 13 December 2019. Collection method: clinical testing. Allele origin: germline.
Comment: This variant was observed in the ICSL laboratory as part of a predisposition screen in an ostensibly healthy population. It had not been previously curated by ICSL or reported in the Human Gene Mutation Database (HGMD: prior to June 1st, 2018), and was therefore a candidate for classification through an automated scoring system. Utilizing variant allele frequency, disease prevalence and penetrance estimates, and inheritance mode, an automated score was calculated to assess if this variant is too frequent to cause the disease. Based on the score and internal cut-off values, a variant classified as likely benign is not then subjected to further curation. The score for this variant resulted in a classification of likely benign for this disease.

Breakthrough Genomics
Classification: Likely benign. Review status: criteria provided, single submitter. Criteria: ACMG Guidelines, 2015. Collection method: not provided. Allele origin: germline. Inheritance: Autosomal recessive inheritance. Affected: yes.

NM_152383.5(DIS3L2):c.*558T>C

Gene: DIS3L2 (DIS3 like 3'-5' exoribonuclease 2; plus strand). Cytogenetic location: 2q37.1.
Variant type: single nucleotide variant.
Coding change: c.*558T>C on transcript NM_152383.5 (MANE Select); 558 bases downstream of the stop codon, T replaced by C.
Molecular consequence: 3 prime UTR variant. On other transcripts: non-coding transcript variant (2), intron variant (1).
Genome position (GRCh38, 1-based): chr2:232,337,188, T>C. VCF-style: chr2-232337188-T-C. GRCh37 (hg19) VCF-style: chr2-233201898-T-C.
Other names: c.1582-6157T>C (NM_001257281.2).
Identifiers: ClinVar variation 334962 (VCV000334962.7), dbSNP rs143549263, ClinGen allele CA10612764.